The following is an entry in ClinVar:

ClinVar aggregate classification (germline): Likely pathogenic (1 of 4 stars; one submission).

Conditions:
Autosomal dominant nonsyndromic hearing loss 4A. Also called: Deafness, autosomal dominant 4A. Identifiers: Orphanet 90635, MedGen C1833503, MONDO:0010915, OMIM 600652.

Allele frequency attached by ClinVar (database versions not stated): gnomAD exomes below 0.00001; TOPMed below 0.00001; gnomAD 0.00001.
gnomAD v4.1: 6 of 1,563,864 alleles (0.00038%); highest among the groups gnomAD compares: African/African-American, 0.0014%; no homozygotes.

Submissions (2):

Laboratory of Prof. Karen Avraham, Tel Aviv University
Classification: Likely pathogenic for Autosomal dominant nonsyndromic hearing loss 4A. Last evaluated: 2024-05-30. Review status: criteria provided, single submitter. Criteria: ACMG Guidelines, 2015. Collection method: research. Allele origin: germline. Affected: yes. Observed: 1 variant allele.
Comment: DFNA4A; mild HL

Dr. Peter K. Rogan Lab, Western University
No classification provided (evidence only). Condition: Ovarian serous cystadenocarcinoma. Review status: no classification provided. Collection method: in vitro. Allele origin: not applicable. Functional consequence: retained intron. Not counted in ClinVar's aggregate classification.

NM_001145809.2(MYH14):c.693+1G>A

Gene: MYH14 (myosin heavy chain 14; plus strand). Cytogenetic location: 19q13.33.
Variant type: single nucleotide variant.
Coding change: c.693+1G>A on transcript NM_001145809.2 (MANE Select); the canonical splice donor site of the intron after coding-DNA position 693, G replaced by A.
Molecular consequence: splice donor variant.
Genome position (GRCh38, 1-based): chr19:50,223,350, G>A. VCF-style: chr19-50223350-G-A. GRCh37 (hg19) VCF-style: chr19-50726607-G-A.
Other names: NC_000019.9:g.50726607G>A; c.693+1G>A (NM_001077186.2, NM_024729.4).
Identifiers: ClinVar variation 3250386 (VCV003250386.2), dbSNP rs866856763.
Genomic context (GRCh38, chr19:50,223,350, plus strand): 5'-ATCCAGTACCTCGCCCACGTGGCGTCGTCTCCAAAGGGCAGGAAGGAGCCGGGTGTCCCC[G>A]TAAGCAACCCCGCCTTGGGTCACCCCCGGGCCCTGCCACAGCACTGCCCCTTCCATCTTG-3'